The following is an entry in ClinVar:

ClinVar aggregate classification (germline): Uncertain significance (1 of 4 stars; one submission).

Submission:

Labcorp Genetics (formerly Invitae), Labcorp
Classification: Uncertain significance. Last evaluated: 2023-09-22. Review status: criteria provided, single submitter. Criteria: Invitae Variant Classification Sherloc (09022015). Collection method: clinical testing. Allele origin: germline.
Comment: Advanced modeling of protein sequence and biophysical properties (such as structural, functional, and spatial information, amino acid conservation, physicochemical variation, residue mobility, and thermodynamic stability) performed at Invitae indicates that this missense variant is expected to disrupt COL9A3 protein function. In summary, the available evidence is currently insufficient to determine the role of this variant in disease. Therefore, it has been classified as a Variant of Uncertain Significance. This variant has not been reported in the literature in individuals affected with COL9A3-related conditions. This sequence change replaces glycine, which is neutral and non-polar, with aspartic acid, which is acidic and polar, at codon 403 of the COL9A3 protein (p.Gly403Asp). This variant is not present in population databases (gnomAD no frequency).

NM_001853.4(COL9A3):c.1208G>A (p.Gly403Asp)

Gene: COL9A3 (collagen type IX alpha 3 chain; plus strand). Cytogenetic location: 20q13.33.
Variant type: single nucleotide variant.
Coding change: c.1208G>A on transcript NM_001853.4 (MANE Select); coding-DNA position 1208, G replaced by A.
Protein change: p.Gly403Asp; replaces glycine 403 with aspartic acid.
Molecular consequence: missense variant.
Genome position (GRCh38, 1-based): chr20:62,830,406, G>A. VCF-style: chr20-62830406-G-A. GRCh37 (hg19) VCF-style: chr20-61461758-G-A.
Other names: short protein forms G403D.
Identifiers: ClinVar variation 2762447 (VCV002762447.3), dbSNP rs377664853, ClinGen allele CA409594573.